The following is an entry in ClinVar:

NM_001035.3(RYR2):c.12620C>T (p.Ser4207Leu)

Genes: RYR2 (ryanodine receptor 2; plus strand), LOC126806068 (BRD4-independent group 4 enhancer GRCh37_chr1:237947411-237948610; plus strand). Cytogenetic location: 1q43.
Variant type: single nucleotide variant.
Coding change: c.12620C>T on transcript NM_001035.3 (MANE Select); coding-DNA position 12620, C replaced by T.
Protein change: p.Ser4207Leu; replaces serine 4207 with leucine.
Molecular consequence: missense variant.
Genome position (GRCh38, 1-based): chr1:237,784,332, C>T. VCF-style: chr1-237784332-C-T. GRCh37 (hg19) VCF-style: chr1-237947632-C-T.
Other names: short protein forms S4207L.
Identifiers: ClinVar variation 1057236 (VCV001057236.12), dbSNP rs2149354495, ClinGen allele CA345413765.

ClinVar aggregate classification (germline): Uncertain significance. Review status: criteria provided, single submitter (1 of 4 stars). 4 submissions from 4 submitters: Uncertain significance (1). 3 of the submissions do not count toward it. Last evaluated 2020-09-07.

Conditions:
Catecholaminergic polymorphic ventricular tachycardia 1. Also called: VENTRICULAR TACHYCARDIA, CATECHOLAMINERGIC POLYMORPHIC, 1, WITH OR WITHOUT ATRIAL DYSFUNCTION AND/OR DILATED CARDIOMYOPATHY; RYR2-Related Catecholaminergic Polymorphic Ventricular Tachycardia; VENTRICULAR TACHYCARDIA, STRESS-INDUCED POLYMORPHIC 1. Identifiers: Orphanet 3286, MedGen C1631597, MONDO:0011484, OMIM 604772.

gnomAD v4.1: 1 of 1,613,764 alleles (0.000062%); highest among the groups gnomAD compares: East Asian, 0.0022%; no homozygotes.

Submissions (4):

Labcorp Genetics (formerly Invitae), Labcorp
Classification: Uncertain significance for Catecholaminergic polymorphic ventricular tachycardia 1. Last evaluated: 2020-09-07. Review status: criteria provided, single submitter. Criteria: Invitae Variant Classification Sherloc (09022015). Collection method: clinical testing. Allele origin: germline.
Comment: This sequence change replaces serine with leucine at codon 4207 of the RYR2 protein (p.Ser4207Leu). The serine residue is highly conserved and there is a large physicochemical difference between serine and leucine. This variant is not present in population databases (ExAC no frequency). This variant has not been reported in the literature in individuals with RYR2-related conditions. Advanced modeling of protein sequence and biophysical properties (such as structural, functional, and spatial information, amino acid conservation, physicochemical variation, residue mobility, and thermodynamic stability) performed at Invitae indicates that this missense variant is expected to disrupt RYR2 protein function. In summary, the available evidence is currently insufficient to determine the role of this variant in disease. Therefore, it has been classified as a Variant of Uncertain Significance.

Clinical Genetics DNA and cytogenetics Diagnostics Lab, Erasmus MC, Erasmus Medical Center
Classification: Likely pathogenic. Review status: no assertion criteria provided. Collection method: clinical testing. Allele origin: germline. Affected: yes. Study: VKGL Data-share Consensus. Not counted in ClinVar's aggregate classification.

Clinical Genetics, Academic Medical Center
Classification: Likely pathogenic. Review status: no assertion criteria provided. Collection method: clinical testing. Allele origin: germline. Affected: yes. Study: VKGL Data-share Consensus. Not counted in ClinVar's aggregate classification.

Diagnostic Laboratory, Department of Genetics, University Medical Center Groningen
Classification: Likely pathogenic. Review status: no assertion criteria provided. Collection method: clinical testing. Allele origin: germline. Affected: yes. Study: VKGL Data-share Consensus. Not counted in ClinVar's aggregate classification.